The following is an entry in ClinVar:

ClinVar aggregate classification (germline): Benign (1 of 4 stars; one submission).

Conditions:
Leigh syndrome (NULS). Also called: Leigh's necrotizing encephalopathy; Leigh's disease; Leigh Syndrome (mtDNA deletion); Leigh Disease; Subacute necrotizing encephalopathy; Necrotizing encephalopathy infantile subacute of Leigh. Identifiers: Orphanet 506, MedGen C2931891, MONDO:0009723, OMIM 256000.

Submission:

Wong Mito Lab, Molecular and Human Genetics, Baylor College of Medicine
Classification: Benign for Leigh syndrome. Last evaluated: 2019-10-17. Review status: criteria provided, single submitter. Criteria: Modified ACMG Guidelines (Unpublished). Collection method: clinical testing. Allele origin: germline.
Comment: The NC_012920.1:m.6150G>A (YP_003024028.1:p.Val83Ile) variant in MTCO1 gene is interpretated to be a Benign variant based on the modified ACMG guidelines (unpublished). This variant meets the following evidence codes: BS1, BS4, BP4

NC_012920.1(MT-CO1):m.6150G>A

Gene: MT-CO1 (mitochondrially encoded cytochrome c oxidase I; plus strand).
Variant type: single nucleotide variant.
Genome position: chrM-6150-G-A.
Identifiers: ClinVar variation 692625 (VCV000692625.1), dbSNP rs879053914, ClinGen allele CA337097329.